The following is an entry in ClinVar:

NM_001258392.3(CLPB):c.1672G>A (p.Ala558Thr)

Gene: CLPB (ClpB family mitochondrial disaggregase; minus strand). Cytogenetic location: 11q13.4.
Variant type: single nucleotide variant.
Coding change: c.1672G>A on transcript NM_001258392.3 (MANE Select); coding-DNA position 1672, G replaced by A.
Protein change: p.Ala558Thr; replaces alanine 558 with threonine.
Molecular consequence: missense variant.
Genome position (GRCh38, 1-based): chr11:72,294,333, C>T on the plus strand (G>A on the coding strand, the complement: CLPB is on the minus strand). VCF-style: chr11-72294333-C-T. GRCh37 (hg19) VCF-style: chr11-72005377-C-T.
Other names: c.1585G>A, p.Ala529Thr (NM_001258393.3); c.1627G>A, p.Ala543Thr (NM_001258394.3); c.1762G>A, p.Ala588Thr (NM_030813.6); short protein forms A529T, A543T, A558T, A588T.
Identifiers: ClinVar variation 1055163 (VCV001055163.9), dbSNP rs780169796, ClinGen allele CA6171093.

ClinVar aggregate classification (germline): Uncertain significance (1 of 4 stars; one submission).

Conditions:
3-methylglutaconic aciduria, type VIIB (MGCA7B). Also called: 3-methylglutaconic aciduria, type VII, with cataracts, neurologic involvement and neutropenia; 3-methylglutaconic aciduria with cataracts, neurologic involvement and neutropenia; CLPB Deficiency. Identifiers: Orphanet 445038, MedGen C5676893, MONDO:0014561, OMIM 616271.

Allele frequency attached by ClinVar (database versions not stated): gnomAD exomes 0.00001; ExAC 0.00002.

Submission:

Labcorp Genetics (formerly Invitae), Labcorp
Classification: Uncertain significance for 3-methylglutaconic aciduria, type VIIB. Last evaluated: 2024-07-23. Review status: criteria provided, single submitter. Criteria: Invitae Variant Classification Sherloc (09022015). Collection method: clinical testing. Allele origin: germline.
Comment: This sequence change replaces alanine, which is neutral and non-polar, with threonine, which is neutral and polar, at codon 588 of the CLPB protein (p.Ala588Thr). This variant is present in population databases (rs780169796, gnomAD 0.006%), including at least one homozygous and/or hemizygous individual. This variant has not been reported in the literature in individuals affected with CLPB-related conditions. ClinVar contains an entry for this variant (Variation ID: 1055163). An algorithm developed to predict the effect of missense changes on protein structure and function (PolyPhen-2) suggests that this variant is likely to be tolerated. In summary, the available evidence is currently insufficient to determine the role of this variant in disease. Therefore, it has been classified as a Variant of Uncertain Significance.